The following is an entry in ClinVar:

NM_004563.4(PCK2):c.326C>T (p.Thr109Met)

Genes: NRL (neural retina leucine zipper; minus strand), PCK2 (phosphoenolpyruvate carboxykinase 2, mitochondrial; plus strand). Cytogenetic location: 14q11.2.
Variant type: single nucleotide variant.
Coding change: c.326C>T on transcript NM_004563.4 (MANE Select); coding-DNA position 326, C replaced by T.
Protein change: p.Thr109Met; replaces threonine 109 with methionine.
Molecular consequence: missense variant. On other transcripts: 5 prime UTR variant (2), intron variant (3).
Genome position (GRCh38, 1-based): chr14:24,098,253, C>T. VCF-style: chr14-24098253-C-T. GRCh37 (hg19) VCF-style: chr14-24567462-C-T.
Other names: c.326C>T, p.Thr109Met (NM_001018073.3); c.-77C>T (NM_001291556.2, NM_001308054.2); c.-27-15378G>A (NM_001354768.3, NM_001354770.2); c.-253-13508G>A (NM_006177.5); short protein forms T109M.
Identifiers: ClinVar variation 3705007 (VCV003705007.2).

ClinVar aggregate classification (germline): Uncertain significance (1 of 4 stars; one submission).

gnomAD v4.1: 34 of 1,613,890 alleles (0.0021%); highest among the groups gnomAD compares: Admixed American, 0.01%; no homozygotes.

Submission:

Labcorp Genetics (formerly Invitae), Labcorp
Classification: Uncertain significance. Last evaluated: 2025-10-19. Review status: criteria provided, single submitter. Criteria: Invitae Variant Classification Sherloc (09022015). Collection method: clinical testing. Allele origin: germline.
Comment: This sequence change replaces threonine, which is neutral and polar, with methionine, which is neutral and non-polar, at codon 109 of the PCK2 protein (p.Thr109Met). This variant is present in population databases (rs756628023, gnomAD 0.02%). This variant has not been reported in the literature in individuals affected with PCK2-related conditions. ClinVar contains an entry for this variant (Variation ID: 3705007). Invitae Evidence Modeling of protein sequence and biophysical properties (such as structural, functional, and spatial information, amino acid conservation, physicochemical variation, residue mobility, and thermodynamic stability) indicates that this missense variant is expected to disrupt PCK2 protein function with a positive predictive value of 80%. In summary, the available evidence is currently insufficient to determine the role of this variant in disease. Therefore, it has been classified as a Variant of Uncertain Significance.